The following is an entry in ClinVar:

NM_000264.5(PTCH1):c.1582A>C (p.Asn528His)

Gene: PTCH1 (patched 1; minus strand). Cytogenetic location: 9q22.32.
Variant type: single nucleotide variant.
Coding change: c.1582A>C on transcript NM_000264.5 (MANE Select); coding-DNA position 1582, A replaced by C.
Protein change: p.Asn528His; replaces asparagine 528 with histidine.
Molecular consequence: missense variant. On other transcripts: non-coding transcript variant (1).
Genome position (GRCh38, 1-based): chr9:95,476,779, T>G on the plus strand (A>C on the coding strand, the complement: PTCH1 is on the minus strand). VCF-style: chr9-95476779-T-G. GRCh37 (hg19) VCF-style: chr9-98239061-T-G.
Other names: c.1384A>C, p.Asn462His (NM_001083602.3); c.1579A>C, p.Asn527His (NM_001083603.3); c.1129A>C, p.Asn377His (NM_001083604.3, NM_001083605.3, NM_001083606.3 and 1 more transcripts); c.1426A>C, p.Asn476His (NM_001354918.2); short protein forms N462H, N377H, N527H, N476H, N528H.
Identifiers: ClinVar variation 1775729 (VCV001775729.4), dbSNP rs2538199329, ClinGen allele CA374118190.

ClinVar aggregate classification (germline): Uncertain significance. Review status: criteria provided, multiple submitters, no conflicts (2 of 4 stars). 2 submissions from 2 submitters: Uncertain significance (2). Last evaluated 2024-11-04.

Conditions:
Hereditary cancer-predisposing syndrome. Also called: Tumor predisposition; Neoplastic Syndromes, Hereditary; Hereditary Cancer Syndrome; Hereditary neoplastic syndrome. Identifiers: Orphanet 140162, MedGen C0027672, MeSH D009386, MONDO:0015356.
Gorlin syndrome. Also called: Nevoid Basal Cell Carcinoma Syndrome; Basal cell nevus syndrome. Identifiers: Orphanet 377, MedGen C0004779, MONDO:0007187.

Submissions (2):

Labcorp Genetics (formerly Invitae), Labcorp
Classification: Uncertain significance for Gorlin syndrome. Last evaluated: 2024-11-04. Review status: criteria provided, single submitter. Criteria: Invitae Variant Classification Sherloc (09022015). Collection method: clinical testing. Allele origin: germline.
Comment: This sequence change replaces asparagine, which is neutral and polar, with histidine, which is basic and polar, at codon 528 of the PTCH1 protein (p.Asn528His). This variant is not present in population databases (gnomAD no frequency). This variant has not been reported in the literature in individuals affected with PTCH1-related conditions. ClinVar contains an entry for this variant (Variation ID: 1775729). Invitae Evidence Modeling of protein sequence and biophysical properties (such as structural, functional, and spatial information, amino acid conservation, physicochemical variation, residue mobility, and thermodynamic stability) indicates that this missense variant is not expected to disrupt PTCH1 protein function with a negative predictive value of 95%. In summary, the available evidence is currently insufficient to determine the role of this variant in disease. Therefore, it has been classified as a Variant of Uncertain Significance.

Ambry Genetics
Classification: Uncertain significance for Hereditary cancer-predisposing syndrome. Last evaluated: 2022-03-06. Review status: criteria provided, single submitter. Criteria: Ambry Variant Classification Scheme 2023. Collection method: clinical testing. Allele origin: germline.
Comment: The p.N528H variant (also known as c.1582A>C), located in coding exon 11 of the PTCH1 gene, results from an A to C substitution at nucleotide position 1582. The asparagine at codon 528 is replaced by histidine, an amino acid with similar properties. This amino acid position is conserved. In addition, the in silico prediction for this alteration is inconclusive. Since supporting evidence is limited at this time, the clinical significance of this alteration remains unclear.